The following is an entry in ClinVar:

NM_000540.3(RYR1):c.9233+6del

Gene: RYR1 (ryanodine receptor 1; plus strand). Cytogenetic location: 19q13.2.
Variant type: Deletion.
Coding change: c.9233+6del on transcript NM_000540.3 (MANE Select); 6 bases into the intron after coding-DNA position 9233, one base deleted (G; older notation c.9233+6delG).
Molecular consequence: intron variant.
Genome position (GRCh38, 1-based): chr19:38,512,138, G deleted; the last of 3 consecutive G bases (chr19:38,512,136-38,512,138); deleting any one gives the same sequence. VCF-style (leftmost placement, unchanged base first): chr19-38512135-AG-A. GRCh37 (hg19) VCF-style: chr19-39002775-AG-A.
Other names: c.9233+6del (NM_001042723.2).
Identifiers: ClinVar variation 425181 (VCV000425181.44), dbSNP rs757394018, ClinGen allele CA073404.
Genomic context (GRCh38, chr19:38,512,135, plus strand): 5'-CAGACGCCCCAGCTGTGGTCAACTGTCTTCACATCCTGGCCCGCTCCCTGGATGCCAGGT[AG>A]GGCCATAGGCAGTGGCGCCCACTCCCACCATCATCGGGCCCCCACCCCAACCCCTGGTCT-3'

ClinVar aggregate classification (germline): Uncertain significance. Review status: criteria provided, multiple submitters, no conflicts (2 of 4 stars). 2 submissions from 2 submitters: Uncertain significance (2). Last evaluated 2025-08-19.

Conditions:
Malignant hyperthermia, susceptibility to, 1 (MHS1). Also called: Malignant hyperthermia suceptibility 1; RYR1-Related Malignant Hyperthermia Susceptibility; Anesthesia related hyperthermia; Malignant hyperpyrexia; Fulminating hyperpyrexia; Pharmacogenic myopathy. Identifiers: Orphanet 423, MedGen C2930980, MONDO:0007783, OMIM 145600.

Submissions (2):

Color Diagnostics, LLC DBA Color Health
Classification: Uncertain significance for Malignant hyperthermia, susceptibility to, 1. Last evaluated: 2025-08-19. Review status: criteria provided, single submitter. Criteria: ACMG Guidelines, 2015. Collection method: clinical testing. Allele origin: germline.
Comment: This variant causes a deletion of one nucleotide in the +6 position of intron 62 in the RYR1 gene. To our knowledge, functional studies have not been reported for this variant. This variant has not been reported in individuals affected with RYR1-related disorders in the literature. This variant has been identified in 9/251384 chromosomes in the general population by the Genome Aggregation Database (gnomAD). The available evidence is insufficient to determine the role of this variant in disease conclusively. Therefore, this variant is classified as a Variant of Uncertain Significance.

CeGaT Center for Human Genetics Tuebingen
Classification: Uncertain significance. Last evaluated: 2017-03-01. Review status: criteria provided, single submitter. Criteria: CeGaT Center For Human Genetics Tuebingen Variant Classification Criteria Version 2. Collection method: clinical testing. Allele origin: germline. Affected: yes. Observed: 1 variant allele.